The following is an entry in ClinVar:

NM_005188.4(CBL):c.2570T>C (p.Leu857Pro)

Gene: CBL (Cbl proto-oncogene; plus strand). Cytogenetic location: 11q23.3.
Variant type: single nucleotide variant.
Coding change: c.2570T>C on transcript NM_005188.4 (MANE Select); coding-DNA position 2570, T replaced by C.
Protein change: p.Leu857Pro; replaces leucine 857 with proline.
Molecular consequence: missense variant.
Genome position (GRCh38, 1-based): chr11:119,299,630, T>C. VCF-style: chr11-119299630-T-C. GRCh37 (hg19) VCF-style: chr11-119170340-T-C.
Other names: short protein forms L857P.
Identifiers: ClinVar variation 3634403 (VCV003634403.2).

ClinVar aggregate classification (germline): Uncertain significance (1 of 4 stars; one submission).

Conditions:
RASopathy. Also called: rasopathies; Noonan spectrum disorder. Identifiers: Orphanet 536391, MedGen C5555857, MONDO:0021060.

gnomAD v4.1: 1 of 1,614,080 alleles (0.000062%); highest among the groups gnomAD compares: Admixed American, 0.0017%; no homozygotes.

Submission:

Labcorp Genetics (formerly Invitae), Labcorp
Classification: Uncertain significance for RASopathy. Last evaluated: 2024-08-18. Review status: criteria provided, single submitter. Criteria: Invitae Variant Classification Sherloc (09022015). Collection method: clinical testing. Allele origin: germline.
Comment: This sequence change replaces leucine, which is neutral and non-polar, with proline, which is neutral and non-polar, at codon 857 of the CBL protein (p.Leu857Pro). This variant is present in population databases (rs750919864, gnomAD 0.006%). This variant has not been reported in the literature in individuals affected with CBL-related conditions. Invitae Evidence Modeling of protein sequence and biophysical properties (such as structural, functional, and spatial information, amino acid conservation, physicochemical variation, residue mobility, and thermodynamic stability) indicates that this missense variant is not expected to disrupt CBL protein function with a negative predictive value of 95%. In summary, the available evidence is currently insufficient to determine the role of this variant in disease. Therefore, it has been classified as a Variant of Uncertain Significance.